The following is an entry in ClinVar:

NM_001366385.1(CARD14):c.653G>A (p.Arg218His)

Gene: CARD14 (caspase recruitment domain family member 14; plus strand). Cytogenetic location: 17q25.3.
Variant type: single nucleotide variant.
Coding change: c.653G>A on transcript NM_001366385.1 (MANE Select); coding-DNA position 653, G replaced by A.
Protein change: p.Arg218His; replaces arginine 218 with histidine.
Molecular consequence: missense variant. On other transcripts: non-coding transcript variant (1).
Genome position (GRCh38, 1-based): chr17:80,184,216, G>A. VCF-style: chr17-80184216-G-A. GRCh37 (hg19) VCF-style: chr17-78158015-G-A.
Other names: c.653G>A, p.Arg218His (NM_001257970.1, NM_024110.4); short protein forms R218H.
Identifiers: ClinVar variation 956894 (VCV000956894.10), dbSNP rs1055308466, ClinGen allele CA294858421.

ClinVar aggregate classification (germline): Uncertain significance. Review status: criteria provided, multiple submitters, no conflicts (2 of 4 stars). 2 submissions from 2 submitters: Uncertain significance (2). Last evaluated 2024-01-22.

Conditions:
Pityriasis rubra pilaris (PRP). Also called: Pityriasis rubra pilaris--familial type. Identifiers: Orphanet 2897, MedGen C0032027, MONDO:0100017, OMIM 173200, MONDO:0008251.
Psoriasis 2. Identifiers: MedGen C1864497, MONDO:0011269, OMIM 602723.

Allele frequency attached by ClinVar (database versions not stated): TOPMed 0.00001; gnomAD 0.00003; 1000 Genomes Project 30x 0.00016.

Submissions (2):

Labcorp Genetics (formerly Invitae), Labcorp
Classification: Uncertain significance for Pityriasis rubra pilaris; Psoriasis 2. Last evaluated: 2024-01-22. Review status: criteria provided, single submitter. Criteria: Invitae Variant Classification Sherloc (09022015). Collection method: clinical testing. Allele origin: germline.
Comment: This sequence change replaces arginine, which is basic and polar, with histidine, which is basic and polar, at codon 218 of the CARD14 protein (p.Arg218His). The frequency data for this variant in the population databases is considered unreliable, as metrics indicate poor data quality at this position in the gnomAD database. This variant has not been reported in the literature in individuals affected with CARD14-related conditions. ClinVar contains an entry for this variant (Variation ID: 956894). Advanced modeling of protein sequence and biophysical properties (such as structural, functional, and spatial information, amino acid conservation, physicochemical variation, residue mobility, and thermodynamic stability) performed at Invitae indicates that this missense variant is expected to disrupt CARD14 protein function with a positive predictive value of 80%. In summary, the available evidence is currently insufficient to determine the role of this variant in disease. Therefore, it has been classified as a Variant of Uncertain Significance.

Blueprint Genetics
Classification: Uncertain significance. Last evaluated: 2023-11-21. Review status: criteria provided, single submitter. Criteria: ACMG Guidelines, 2015. Collection method: clinical testing. Allele origin: germline.